The following is an entry in ClinVar:

ClinVar aggregate classification (germline): Uncertain significance. Review status: criteria provided, multiple submitters, no conflicts (2 of 4 stars). 4 submissions from 4 submitters: Uncertain significance (4). Last evaluated 2025-09-15.

Conditions:
Myopathy, centronuclear, 5 (CNM5). Identifiers: Orphanet 169186, MedGen C4014814, MONDO:0014418, OMIM 615959.
Inborn genetic diseases. Identifiers: MedGen C0950123, MeSH D030342.

Allele frequency attached by ClinVar (database versions not stated): gnomAD exomes 0.00006; TOPMed 0.00006; ESP Exome Variant Server 0.00008; gnomAD 0.00003.
gnomAD v4.1: 101 of 1,614,012 alleles (0.0063%); highest among the groups gnomAD compares: Middle Eastern, 0.016%; no homozygotes.

Submissions (4):

Institute of Immunology and Genetics Kaiserslautern
Classification: Uncertain significance for Myopathy, centronuclear, 5. Last evaluated: 2025-09-15. Review status: criteria provided, single submitter. Criteria: ACMG Guidelines, 2015. Collection method: clinical testing. Allele origin: biparental.
Comment: ACMG Criteria: PM2_P, PP1; Variant was found in homozygous state. Biparental allele origin was confirmed via in-house segregation analysis.

Ambry Genetics
Classification: Uncertain significance for Inborn genetic diseases. Last evaluated: 2025-05-17. Review status: criteria provided, single submitter. Criteria: Ambry Variant Classification Scheme 2023. Collection method: clinical testing. Allele origin: germline.

Labcorp Genetics (formerly Invitae), Labcorp
Classification: Uncertain significance. Last evaluated: 2025-01-08. Review status: criteria provided, single submitter. Criteria: Invitae Variant Classification Sherloc (09022015). Collection method: clinical testing. Allele origin: germline.
Comment: This sequence change replaces arginine, which is basic and polar, with histidine, which is basic and polar, at codon 1667 of the SPEG protein (p.Arg1667His). This variant is present in population databases (rs375420359, gnomAD 0.01%). This variant has not been reported in the literature in individuals affected with SPEG-related conditions. ClinVar contains an entry for this variant (Variation ID: 2085912). An algorithm developed to predict the effect of missense changes on protein structure and function (PolyPhen-2) suggests that this variant is likely to be disruptive. In summary, the available evidence is currently insufficient to determine the role of this variant in disease. Therefore, it has been classified as a Variant of Uncertain Significance.

Revvity Omics, Revvity
Classification: Uncertain significance for Myopathy, centronuclear, 5. Last evaluated: 2024-02-12. Review status: criteria provided, single submitter. Criteria: ACMG Guidelines, 2015. Collection method: clinical testing. Allele origin: germline.

NM_005876.5(SPEG):c.5000G>A (p.Arg1667His)

Gene: SPEG (striated muscle enriched protein kinase; plus strand). Cytogenetic location: 2q35.
Variant type: single nucleotide variant.
Coding change: c.5000G>A on transcript NM_005876.5 (MANE Select); coding-DNA position 5000, G replaced by A.
Protein change: p.Arg1667His; replaces arginine 1667 with histidine.
Molecular consequence: missense variant.
Genome position (GRCh38, 1-based): chr2:219,478,078, G>A. VCF-style: chr2-219478078-G-A. GRCh37 (hg19) VCF-style: chr2-220342800-G-A.
Other names: short protein forms R1667H.
Identifiers: ClinVar variation 2085912 (VCV002085912.7), dbSNP rs375420359, ClinGen allele CA2126691.
Genomic context (GRCh38, chr2:219,478,078, plus strand): 5'-GGCTGCTGGCCAGGCTCCAGCACGACTGTGTCCTCTACTTCCATGAGGCCTTCGAGAGGC[G>A]CCGGGGACTGGTCATTGTCACCGAGCTGTATCCTGGGACAGGCTGGGGGCTAGGGGGATC-3'
Protein context (NP_005867.3, residues 1657-1677): VLYFHEAFER[Arg1667His]RGLVIVTELC